The following is an entry in ClinVar:

NM_001042492.3(NF1):c.6789del (p.Gln2263_Ile2264insTer)

Gene: NF1 (neurofibromin 1; plus strand). Cytogenetic location: 17q11.2.
Variant type: Deletion.
Coding change: c.6789del on transcript NM_001042492.3 (MANE Select); coding-DNA position 6789, one base deleted (G; older notation c.6789delG).
Protein change: p.Gln2263_Ile2264insTer.
Molecular consequence: frameshift variant. On other transcripts: nonsense (1).
Genome position (GRCh38, 1-based): chr17:31,338,109, G deleted. VCF-style (leftmost placement, unchanged base first): chr17-31338108-AG-A. GRCh37 (hg19) VCF-style: chr17-29665126-AG-A.
Other names: c.6726delG (NM_000267.3); c.6726delG, p.Ile2243Terfs (NM_000267.4).
Identifiers: ClinVar variation 3237896 (VCV003237896.1), dbSNP rs2508759645.
Genomic context (GRCh38, chr17:31,338,108, plus strand): 5'-CCCTGCAACCAAGAGCTCTTGTTGTCTTTGGGTGTATTAGCAAACGAGTGTCTCATGGGC[AG>A]ATAAAGCAGATAATCCGTATTCTTAGCAAGGTACCTGTTCCGCCCTCACTTCTCCCAAAT-3'

ClinVar aggregate classification (germline): Pathogenic (1 of 4 stars; one submission).

Conditions:
Hereditary cancer-predisposing syndrome. Also called: Neoplastic Syndromes, Hereditary; Tumor predisposition; Hereditary neoplastic syndrome; Hereditary Cancer Syndrome. Identifiers: Orphanet 140162, MedGen C0027672, MeSH D009386, MONDO:0015356.
Cardiovascular phenotype. Identifiers: MedGen CN230736.

Submission:

Ambry Genetics
Classification: Pathogenic for Cardiovascular phenotype; Hereditary cancer-predisposing syndrome. Last evaluated: 2023-12-08. Review status: criteria provided, single submitter. Criteria: Ambry Variant Classification Scheme 2023. Collection method: clinical testing. Allele origin: germline.
Comment: The c.6726delG variant, located in coding exon 44 of the NF1 gene, results from a deletion of one nucleotide at nucleotide position 6726, causing a translational frameshift with a predicted alternate stop codon (p.I2243*). This variant is considered to be rare based on population cohorts in the Genome Aggregation Database (gnomAD). This alteration is expected to result in loss of function by premature protein truncation or nonsense-mediated mRNA decay. As such, this alteration is interpreted as a disease-causing mutation.